The following is an entry in ClinVar:

NM_032608.7(MYO18B):c.3856T>C (p.Ser1286Pro)

Gene: MYO18B (myosin XVIIIB; plus strand). Cytogenetic location: 22q12.1.
Variant type: single nucleotide variant.
Coding change: c.3856T>C on transcript NM_032608.7 (MANE Select); coding-DNA position 3856, T replaced by C.
Protein change: p.Ser1286Pro; replaces serine 1286 with proline.
Molecular consequence: missense variant.
Genome position (GRCh38, 1-based): chr22:25,851,550, T>C. VCF-style: chr22-25851550-T-C. GRCh37 (hg19) VCF-style: chr22-26247517-T-C.
Other names: c.3859T>C, p.Ser1287Pro (NM_001318245.2); short protein forms S1286P, S1287P.
Identifiers: ClinVar variation 4703125 (VCV004703125.1).

ClinVar aggregate classification (germline): Uncertain significance (1 of 4 stars; one submission).

gnomAD v4.1: 7 of 1,559,272 alleles (0.00045%); highest among the groups gnomAD compares: Non-Finnish European, 0.00035%; no homozygotes.

Submission:

Labcorp Genetics (formerly Invitae), Labcorp
Classification: Uncertain significance. Last evaluated: 2026-01-25. Review status: criteria provided, single submitter. Criteria: Invitae Variant Classification Sherloc (09022015). Collection method: clinical testing. Allele origin: germline.
Comment: This sequence change replaces serine, which is neutral and polar, with proline, which is neutral and non-polar, at codon 1286 of the MYO18B protein (p.Ser1286Pro). The frequency data for this variant in the population databases is considered unreliable, as metrics indicate poor data quality at this position in the gnomAD database. This variant has not been reported in the literature in individuals affected with MYO18B-related conditions. An algorithm developed to predict the effect of missense changes on protein structure and function (PolyPhen-2) suggests that this variant is likely to be disruptive. In summary, the available evidence is currently insufficient to determine the role of this variant in disease. Therefore, it has been classified as a Variant of Uncertain Significance.